The following is an entry in ClinVar:

NM_001206999.2(CIT):c.827G>A (p.Gly276Glu)

Gene: CIT (citron rho-interacting serine/threonine kinase; minus strand). Cytogenetic location: 12q24.23.
Variant type: single nucleotide variant.
Coding change: c.827G>A on transcript NM_001206999.2 (MANE Select); coding-DNA position 827, G replaced by A.
Protein change: p.Gly276Glu; replaces glycine 276 with glutamic acid.
Molecular consequence: missense variant.
Genome position (GRCh38, 1-based): chr12:119,825,295, C>T on the plus strand (G>A on the coding strand, the complement: CIT is on the minus strand). VCF-style: chr12-119825295-C-T. GRCh37 (hg19) VCF-style: chr12-120263099-C-T.
Other names: c.827G>A, p.Gly276Glu (NM_007174.3); short protein forms G276E.
Identifiers: ClinVar variation 2069351 (VCV002069351.5), dbSNP rs199807196, ClinGen allele CA6822276.
Genomic context (GRCh38, chr12:119,825,295, plus strand): 5'-ATCTCATAGGCAATCACGCCCACTGACCACCAGTCACAGTCCAGGCCGTAGGTGCCTTTT[C>T]CATCCCCGTTCATCACAGTCAGCACTTCAGGAGCCATGTAATCTGGGGTCCCAATCGGGA-3'
Protein context (NP_001193928.1, residues 266-286): PEVLTVMNGD[Gly276Glu]KGTYGLDCDW

ClinVar aggregate classification (germline): Uncertain significance. Review status: criteria provided, multiple submitters, no conflicts (2 of 4 stars). 2 submissions from 2 submitters: Uncertain significance (2). Last evaluated 2022-02-05.

Conditions:
Inborn genetic diseases. Identifiers: MedGen C0950123, MeSH D030342.

Allele frequency attached by ClinVar (database versions not stated): gnomAD 0.00003; gnomAD exomes 0.00004; ESP Exome Variant Server 0.00008; TOPMed 0.00006; ExAC 0.00004.
gnomAD v4.1: 72 of 1,614,052 alleles (0.0045%); highest among the groups gnomAD compares: Middle Eastern, 0.016%; no homozygotes.

Submissions (2):

Labcorp Genetics (formerly Invitae), Labcorp
Classification: Uncertain significance. Last evaluated: 2022-02-05. Review status: criteria provided, single submitter. Criteria: Invitae Variant Classification Sherloc (09022015). Collection method: clinical testing. Allele origin: germline.
Comment: In summary, the available evidence is currently insufficient to determine the role of this variant in disease. Therefore, it has been classified as a Variant of Uncertain Significance. Algorithms developed to predict the effect of missense changes on protein structure and function (SIFT, PolyPhen-2, Align-GVGD) all suggest that this variant is likely to be tolerated. This variant has not been reported in the literature in individuals affected with CIT-related conditions. This variant is present in population databases (rs199807196, gnomAD 0.06%). This sequence change replaces glycine, which is neutral and non-polar, with glutamic acid, which is acidic and polar, at codon 276 of the CIT protein (p.Gly276Glu).

Ambry Genetics
Classification: Uncertain significance for Inborn genetic diseases. Last evaluated: 2020-11-05. Review status: criteria provided, single submitter. Criteria: Ambry Variant Classification Scheme 2023. Collection method: clinical testing. Allele origin: germline.
Comment: The c.827G>A (p.G276E) alteration is located in exon 8 (coding exon 7) of the CIT gene. This alteration results from a G to A substitution at nucleotide position 827, causing the glycine (G) at amino acid position 276 to be replaced by a glutamic acid (E). Based on data from the Genome Aggregation Database (gnomAD) database, the CIT c.827G>A alteration was observed in 0.0042% (12/282856) of total alleles studied, with a frequency of 0.05% (5/10370) in the Ashkenazi Jewish subpopulation. This amino acid position is not well conserved in available vertebrate species. The p.G276E alteration is predicted to be tolerated by in silico analysis. Based on insufficient or conflicting evidence, the clinical significance of this alteration remains unclear.